The following is an entry in ClinVar:

NM_153240.5(NPHP3):c.799G>C (p.Gly267Arg)

Genes: NPHP3 (nephrocystin 3; minus strand), NPHP3-ACAD11 (NPHP3-ACAD11 readthrough (NMD candidate); minus strand). Cytogenetic location: 3q22.1.
Variant type: single nucleotide variant.
Coding change: c.799G>C on transcript NM_153240.5 (MANE Select); coding-DNA position 799, G replaced by C.
Protein change: p.Gly267Arg; replaces glycine 267 with arginine.
Molecular consequence: missense variant. On other transcripts: non-coding transcript variant (1).
Genome position (GRCh38, 1-based): chr3:132,716,781, C>G on the plus strand (G>C on the coding strand, the complement: NPHP3 is on the minus strand). VCF-style: chr3-132716781-C-G. GRCh37 (hg19) VCF-style: chr3-132435625-C-G.
Other names: short protein forms G267R.
Identifiers: ClinVar variation 2001515 (VCV002001515.1), dbSNP rs2530496574, ClinGen allele CA354586379.

ClinVar aggregate classification (germline): Uncertain significance (1 of 4 stars; one submission).

Conditions:
Nephronophthisis. Also called: Juvenile Nephronophthisis. Identifiers: Orphanet 655, MedGen C0687120, MONDO:0019005, HP:0000090.

Submission:

Labcorp Genetics (formerly Invitae), Labcorp
Classification: Uncertain significance for Nephronophthisis. Last evaluated: 2022-05-31. Review status: criteria provided, single submitter. Criteria: Invitae Variant Classification Sherloc (09022015). Collection method: clinical testing. Allele origin: germline.
Comment: This sequence change replaces glycine, which is neutral and non-polar, with arginine, which is basic and polar, at codon 267 of the NPHP3 protein (p.Gly267Arg). This variant is not present in population databases (gnomAD no frequency). This variant has not been reported in the literature in individuals affected with NPHP3-related conditions. Algorithms developed to predict the effect of missense changes on protein structure and function are either unavailable or do not agree on the potential impact of this missense change (SIFT: "Deleterious"; PolyPhen-2: "Probably Damaging"; Align-GVGD: "Class C0"). In summary, the available evidence is currently insufficient to determine the role of this variant in disease. Therefore, it has been classified as a Variant of Uncertain Significance.